The following is an entry in ClinVar:

ClinVar aggregate classification (germline): Pathogenic (1 of 4 stars; one submission).

Conditions:
Hereditary cancer-predisposing syndrome. Also called: Hereditary Cancer Syndrome; Neoplastic Syndromes, Hereditary; Hereditary neoplastic syndrome; Tumor predisposition. Identifiers: Orphanet 140162, MedGen C0027672, MeSH D009386, MONDO:0015356.

Submission:

Ambry Genetics
Classification: Pathogenic for Hereditary cancer-predisposing syndrome. Last evaluated: 2016-05-19. Review status: criteria provided, single submitter. Criteria: Ambry Variant Classification Scheme 2023. Collection method: clinical testing. Allele origin: germline.
Comment: The c.3734dupA pathogenic mutation, located in coding exon 15 of the APC gene, results from a duplication of A at nucleotide position 3734, causing a translational frameshift with a predicted alternate stop codon. This alteration is expected to result in loss of function by premature protein truncation or nonsense-mediated mRNA decay. As such, this alteration is interpreted as a disease-causing mutation.

NM_000038.6(APC):c.3734dup (p.Ala1246fs)

Gene: APC (APC regulator of Wnt signaling pathway; plus strand). Cytogenetic location: 5q22.2.
Variant type: Duplication.
Coding change: c.3734dup on transcript NM_000038.6 (MANE Select); coding-DNA position 3734, one base duplicated (A; older notation c.3734dupA).
Protein change: p.Ala1246fs; shifts the reading frame from alanine 1246.
Molecular consequence: frameshift variant.
Genome position (GRCh38, 1-based): chr5:112,839,328, A duplicated; the last of 4 consecutive A bases (chr5:112,839,325-112,839,328); duplicating any one gives the same sequence. VCF-style (leftmost placement, unchanged base first): chr5-112839324-C-CA. GRCh37 (hg19) VCF-style: chr5-112175021-C-CA.
Other names: c.3734dup, p.Ala1246fs (NM_001127510.3, NM_001354895.2); c.3680dup, p.Ala1228fs (NM_001127511.3); c.3788dup, p.Ala1264fs (NM_001354896.2); c.3764dup, p.Ala1256fs (NM_001354897.2); c.3659dup, p.Ala1221fs (NM_001354898.2); c.3650dup, p.Ala1218fs (NM_001354899.2); c.3611dup, p.Ala1205fs (NM_001354900.2); c.3557dup, p.Ala1187fs (NM_001354901.2); and 6 more; short protein forms A1086fs, A1120fs, A1155fs, A1187fs, A1205fs, A1264fs, A963fs, A1145fs.
Identifiers: ClinVar variation 428156 (VCV000428156.5), dbSNP rs1114167595, ClinGen allele CA445963988.